The following is an entry in ClinVar:

NM_001040142.2(SCN2A):c.5482C>G (p.Pro1828Ala)

Gene: SCN2A (sodium voltage-gated channel alpha subunit 2; plus strand). Cytogenetic location: 2q24.3.
Variant type: single nucleotide variant.
Coding change: c.5482C>G on transcript NM_001040142.2 (MANE Select); coding-DNA position 5482, C replaced by G.
Protein change: p.Pro1828Ala; replaces proline 1828 with alanine.
Molecular consequence: missense variant.
Genome position (GRCh38, 1-based): chr2:165,389,288, C>G. VCF-style: chr2-165389288-C-G. GRCh37 (hg19) VCF-style: chr2-166245798-C-G.
Other names: c.5482C>G, p.Pro1828Ala (NM_001040143.2, NM_001371246.1, NM_001371247.1 and 1 more transcripts); short protein forms P1828A.
Identifiers: ClinVar variation 1364708 (VCV001364708.8), dbSNP rs2105403223, ClinGen allele CA349039107.

ClinVar aggregate classification (germline): Uncertain significance (1 of 4 stars; one submission).

Conditions:
Seizures, benign familial infantile, 3 (BFIS3). Also called: Familial neonatal seizures; CONVULSIONS, BENIGN FAMILIAL INFANTILE, 3. Identifiers: Orphanet 140927, Orphanet 306, MedGen C1843140, MONDO:0011904, OMIM 607745.
Developmental and epileptic encephalopathy, 11 (DEE11). Also called: Early infantile epileptic encephalopathy 11. Identifiers: Orphanet 1934, MedGen C3150987, MONDO:0013388, OMIM 613721.

Submission:

Labcorp Genetics (formerly Invitae), Labcorp
Classification: Uncertain significance for Seizures, benign familial infantile, 3; Developmental and epileptic encephalopathy, 11. Last evaluated: 2021-01-14. Review status: criteria provided, single submitter. Criteria: Invitae Variant Classification Sherloc (09022015). Collection method: clinical testing. Allele origin: germline.
Comment: This sequence change replaces proline with alanine at codon 1828 of the SCN2A protein (p.Pro1828Ala). The proline residue is highly conserved and there is a small physicochemical difference between proline and alanine. In summary, the available evidence is currently insufficient to determine the role of this variant in disease. Therefore, it has been classified as a Variant of Uncertain Significance. Algorithms developed to predict the effect of missense changes on protein structure and function (SIFT, PolyPhen-2, Align-GVGD) all suggest that this variant is likely to be disruptive, but these predictions have not been confirmed by published functional studies and their clinical significance is uncertain. This variant has not been reported in the literature in individuals with SCN2A-related conditions. This variant is not present in population databases (ExAC no frequency).